The following is an entry in ClinVar:

NM_020433.5(JPH2):c.72T>C (p.His24=)

Gene: JPH2 (junctophilin 2; minus strand). Cytogenetic location: 20q13.12.
Variant type: single nucleotide variant.
Coding change: c.72T>C on transcript NM_020433.5 (MANE Select); coding-DNA position 72, T replaced by C.
Protein change: p.His24=; no amino-acid change (histidine 24 retained).
Molecular consequence: synonymous variant.
Genome position (GRCh38, 1-based): chr20:44,186,634, A>G on the plus strand (T>C on the coding strand, the complement: JPH2 is on the minus strand). VCF-style: chr20-44186634-A-G. GRCh37 (hg19) VCF-style: chr20-42815274-A-G.
Other names: c.72T>C, p.His24= (NM_175913.4).
Identifiers: ClinVar variation 386909 (VCV000386909.11), dbSNP rs754405775, ClinGen allele CA9868931.

ClinVar aggregate classification (germline): Likely benign. Review status: criteria provided, multiple submitters, no conflicts (2 of 4 stars). 4 submissions from 4 submitters: Likely benign (4). Last evaluated 2025-04-09.

Conditions:
Cardiovascular phenotype. Identifiers: MedGen CN230736.
Hypertrophic cardiomyopathy. Also called: HYPERTROPHIC MYOCARDIOPATHY. Identifiers: Orphanet 217569, MedGen C0007194, MeSH D002312, MONDO:0005045, HP:0001639.

Allele frequency attached by ClinVar (database versions not stated): TOPMed below 0.00001; ExAC 0.00001; gnomAD 0.00001; gnomAD exomes 0.00001.
gnomAD v4.1: 8 of 1,610,996 alleles (0.0005%); highest among the groups gnomAD compares: Non-Finnish European, 0.00068%; no homozygotes.

Submissions (4):

Molecular Diagnostic Laboratory for Inherited Cardiovascular Disease, Montreal Heart Institute
Classification: Likely benign. Last evaluated: 2025-04-09. Review status: criteria provided, single submitter. Criteria: ACMG Guidelines, 2015. Collection method: clinical testing. Allele origin: germline. Affected: no.
Comment: BP6;BP7

Labcorp Genetics (formerly Invitae), Labcorp
Classification: Likely benign for Hypertrophic cardiomyopathy. Last evaluated: 2022-03-09. Review status: criteria provided, single submitter. Criteria: Invitae Variant Classification Sherloc (09022015). Collection method: clinical testing. Allele origin: germline.

Ambry Genetics
Classification: Likely benign for Cardiovascular phenotype. Last evaluated: 2021-03-06. Review status: criteria provided, single submitter. Criteria: Ambry Variant Classification Scheme 2023. Collection method: clinical testing. Allele origin: germline.

GeneDx
Classification: Likely benign. Last evaluated: 2016-06-14. Review status: criteria provided, single submitter. Criteria: GeneDx Variant Classification (06012015). Collection method: clinical testing. Allele origin: germline. Affected: yes.
Comment: This variant is considered likely benign or benign based on one or more of the following criteria: it is a conservative change, it occurs at a poorly conserved position in the protein, it is predicted to be benign by multiple in silico algorithms, and/or has population frequency not consistent with disease.